The following is an entry in ClinVar:

ClinVar aggregate classification (germline): Uncertain significance. Review status: criteria provided, multiple submitters, no conflicts (2 of 4 stars). 3 submissions from 3 submitters: Uncertain significance (3). Last evaluated 2024-07-09.

Conditions:
Gastrointestinal stromal tumor. Also called: Gastrointestinal stromal tumor, somatic; Gastrointestinal stroma tumor. Identifiers: Orphanet 44890, MedGen C0238198, MeSH D046152, MONDO:0011719, OMIM 606764, HP:0100723.
Hereditary cancer-predisposing syndrome. Also called: Neoplastic Syndromes, Hereditary; Tumor predisposition; Hereditary neoplastic syndrome; Hereditary Cancer Syndrome. Identifiers: Orphanet 140162, MedGen C0027672, MeSH D009386, MONDO:0015356.

Submissions (3):

Ambry Genetics
Classification: Uncertain significance for Hereditary cancer-predisposing syndrome. Last evaluated: 2024-07-09. Review status: criteria provided, single submitter. Criteria: Ambry Variant Classification Scheme 2023. Collection method: clinical testing. Allele origin: germline.
Comment: The p.D696V variant (also known as c.2087A>T), located in coding exon 14 of the KIT gene, results from an A to T substitution at nucleotide position 2087. The aspartic acid at codon 696 is replaced by valine, an amino acid with highly dissimilar properties. This amino acid position is conserved. In addition, the in silico prediction for this alteration is inconclusive. Since supporting evidence is limited at this time, the clinical significance of this alteration remains unclear.

Labcorp Genetics (formerly Invitae), Labcorp
Classification: Uncertain significance for Gastrointestinal stromal tumor. Last evaluated: 2022-07-19. Review status: criteria provided, single submitter. Criteria: Invitae Variant Classification Sherloc (09022015). Collection method: clinical testing. Allele origin: germline.
Comment: This variant has not been reported in the literature in individuals affected with KIT-related conditions. In summary, the available evidence is currently insufficient to determine the role of this variant in disease. Therefore, it has been classified as a Variant of Uncertain Significance. Algorithms developed to predict the effect of missense changes on protein structure and function are either unavailable or do not agree on the potential impact of this missense change (SIFT: "Deleterious"; PolyPhen-2: "Possibly Damaging"; Align-GVGD: "Class C0"). ClinVar contains an entry for this variant (Variation ID: 955511). This variant is not present in population databases (gnomAD no frequency). This sequence change replaces aspartic acid, which is acidic and polar, with valine, which is neutral and non-polar, at codon 696 of the KIT protein (p.Asp696Val).

CeGaT Center for Human Genetics Tuebingen
Classification: Uncertain significance. Last evaluated: 2021-09-01. Review status: criteria provided, single submitter. Criteria: CeGaT Center For Human Genetics Tuebingen Variant Classification Criteria Version 2. Collection method: clinical testing. Allele origin: germline. Affected: yes. Observed: 1 variant allele.

NM_000222.3(KIT):c.2087A>T (p.Asp696Val)

Gene: KIT (KIT proto-oncogene, receptor tyrosine kinase; plus strand). Cytogenetic location: 4q12.
Variant type: single nucleotide variant.
Coding change: c.2087A>T on transcript NM_000222.3 (MANE Select); coding-DNA position 2087, A replaced by T.
Protein change: p.Asp696Val; replaces aspartic acid 696 with valine.
Molecular consequence: missense variant.
Genome position (GRCh38, 1-based): chr4:54,729,431, A>T. VCF-style: chr4-54729431-A-T. GRCh37 (hg19) VCF-style: chr4-55595597-A-T.
Other names: c.2075A>T, p.Asp692Val (NM_001093772.2, NM_001385286.1); c.2090A>T, p.Asp697Val (NM_001385284.1, NM_001385290.1); c.2087A>T, p.Asp696Val (NM_001385285.1); c.2078A>T, p.Asp693Val (NM_001385288.1, NM_001385292.1); short protein forms D696V, D692V, D693V, D697V.
Identifiers: ClinVar variation 955511 (VCV000955511.46), dbSNP rs1722444395, ClinGen allele CA356909697.
Genomic context (GRCh38, chr4:54,729,431, plus strand): 5'-GTGATCTTTTGAATTTTTTGAGAAGAAAACGTGATTCATTTATTTGTTCAAAGCAGGAAG[A>T]TCATGCAGAAGCTGCACTTTATAAGAATCTTCTGCATTCAAAGGAGTCTTCCTGGTAAGA-3'
Protein context (NP_000213.1, residues 686-706): RDSFICSKQE[Asp696Val]HAEAALYKNL